The following is an entry in ClinVar:

ClinVar aggregate classification (germline): Conflicting classifications of pathogenicity. Review status: criteria provided, conflicting classifications (1 of 4 stars). 18 submissions from 18 submitters: Uncertain significance (3); Benign (4); Likely benign (8). 3 of the submissions do not count toward it. Last evaluated 2026-01-27.

Conditions:
Breast and/or ovarian cancer. Identifiers: MedGen CN221562.
Hereditary cancer-predisposing syndrome. Also called: Tumor predisposition; Hereditary neoplastic syndrome; Hereditary Cancer Syndrome; Neoplastic Syndromes, Hereditary. Identifiers: Orphanet 140162, MedGen C0027672, MeSH D009386, MONDO:0015356.
Peutz-Jeghers syndrome (PJS). Also called: Peutz-Jeghers polyposis; Periorificial lentiginosis syndrome; POLYPOSIS, HAMARTOMATOUS INTESTINAL; POLYPS-AND-SPOTS SYNDROME. Identifiers: Orphanet 2869, MedGen C0031269, MeSH D010580, MONDO:0008280, OMIM 175200.
Malignant tumor of breast. Also called: Cancer breast; Malignant breast neoplasm. Identifiers: MedGen C0006142, MONDO:0007254. Disease mechanism: loss of function.

Allele frequency attached by ClinVar (database versions not stated): TOPMed 0.00006; ESP Exome Variant Server 0.00008; gnomAD 0.00016 and 0.00018.

Submissions (18):

Labcorp Genetics (formerly Invitae), Labcorp
Classification: Benign for Peutz-Jeghers syndrome. Last evaluated: 2026-01-27. Review status: criteria provided, single submitter. Criteria: Invitae Variant Classification Sherloc (09022015). Collection method: clinical testing. Allele origin: germline.

CeGaT Center for Human Genetics Tuebingen
Classification: Likely benign. Last evaluated: 2025-12-01. Review status: criteria provided, single submitter. Criteria: CeGaT Center For Human Genetics Tuebingen Variant Classification Criteria Version 2. Collection method: clinical testing. Allele origin: germline. Affected: yes. Observed: 1 variant allele.
Comment: STK11: BS1

Quest Diagnostics Nichols Institute San Juan Capistrano
Classification: Benign. Last evaluated: 2025-10-21. Review status: criteria provided, single submitter. Criteria: Quest Diagnostics criteria. Collection method: clinical testing. Allele origin: unknown.

Center for Genomic Medicine, Rigshospitalet, Copenhagen University Hospital
Classification: Uncertain significance. Last evaluated: 2025-03-04. Review status: criteria provided, single submitter. Criteria: ACMG Guidelines, 2015. Collection method: clinical testing. Allele origin: germline.

Blueprint Genetics
Classification: Likely benign. Last evaluated: 2024-09-17. Review status: criteria provided, single submitter. Criteria: ACMG Guidelines, 2015. Collection method: clinical testing. Allele origin: germline.

All of Us Research Program, National Institutes of Health
Classification: Likely benign for Peutz-Jeghers syndrome. Last evaluated: 2023-12-18. Review status: criteria provided, single submitter. Criteria: ACMG Guidelines, 2015. Collection method: clinical testing. Allele origin: germline. Inheritance: Autosomal dominant inheritance. Observed: 26 variant alleles, 26 heterozygotes.
Comment: This study involves interpretation of variants in research participants for the purpose of population health screening. Participant phenotype was not available at the time of variant classification. Additional details can be found in publication PMID: 35346344, PMCID: PMC8962531

Institute for Biomarker Research, Medical Diagnostic Laboratories, L.L.C.
Classification: Uncertain significance for Hereditary cancer-predisposing syndrome. Last evaluated: 2023-08-01. Review status: criteria provided, single submitter. Criteria: ACMG Guidelines, 2015. Collection method: clinical testing. Allele origin: germline.

Myriad Genetics, Inc.
Classification: Benign for Peutz-Jeghers syndrome. Last evaluated: 2023-04-14. Review status: criteria provided, single submitter. Criteria: Myriad Autosomal Dominant, Autosomal Recessive and X-Linked Classification Criteria (2023). Collection method: clinical testing. Allele origin: unknown.
Comment: This variant is considered benign. This variant is a silent/synonymous amino acid change and it is not expected to impact splicing.

Genome-Nilou Lab
Classification: Likely benign for Peutz-Jeghers syndrome. Last evaluated: 2021-07-15. Review status: criteria provided, single submitter. Criteria: ACMG Guidelines, 2015. Collection method: clinical testing. Allele origin: germline. Affected: no.

Sema4
Classification: Benign for Hereditary cancer-predisposing syndrome. Last evaluated: 2020-10-08. Review status: criteria provided, single submitter. Criteria: Sema4 Curation Guidelines. Collection method: curation. Allele origin: germline.

CHEO Genetics Diagnostic Laboratory, Children's Hospital of Eastern Ontario
Classification: Likely benign for Breast and/or ovarian cancer. Last evaluated: 2020-02-04. Review status: criteria provided, single submitter. Criteria: ACMG Guidelines, 2015. Collection method: clinical testing. Allele origin: germline.

GeneDx
Classification: Likely benign. Last evaluated: 2019-10-22. Review status: criteria provided, single submitter. Criteria: GeneDx Variant Classification Process June 2021. Collection method: clinical testing. Allele origin: germline. Affected: yes.

Ambry Genetics
Classification: Likely benign for Hereditary cancer-predisposing syndrome. Last evaluated: 2019-01-22. Review status: criteria provided, single submitter. Criteria: Ambry Variant Classification Scheme 2023. Collection method: clinical testing. Allele origin: germline.

Illumina Laboratory Services, Illumina
Classification: Uncertain significance for Peutz-Jeghers syndrome. Last evaluated: 2017-04-27. Review status: criteria provided, single submitter. Criteria: ICSL Variant Classification Criteria 13 December 2019. Collection method: clinical testing. Allele origin: germline.

Color Diagnostics, LLC DBA Color Health
Classification: Likely benign for Hereditary cancer-predisposing syndrome. Last evaluated: 2015-11-18. Review status: criteria provided, single submitter. Criteria: ACMG Guidelines, 2015. Collection method: clinical testing. Allele origin: germline.

Genetic Services Laboratory, University of Chicago
Classification: Likely benign. Last evaluated: 2022-12-14. Review status: no assertion criteria provided. Collection method: clinical testing. Allele origin: germline. Affected: no. Not counted in ClinVar's aggregate classification.

Counsyl
Classification: Likely benign for Peutz-Jeghers syndrome. Last evaluated: 2017-02-06. Review status: no assertion criteria provided. Collection method: clinical testing. Allele origin: unknown. Not counted in ClinVar's aggregate classification.

Department of Pathology and Laboratory Medicine, Sinai Health System
Classification: Likely benign for Malignant tumor of breast. Review status: no assertion criteria provided. Collection method: clinical testing. Allele origin: unknown. Affected: yes. Study: The Canadian Open Genetics Repository (COGR). Not counted in ClinVar's aggregate classification.
Comment: The STK11 p.Ala206= variant was not identified in the literature nor was it identified in the LOVD 3.0 database. The variant was identified in dbSNP (ID: rs370976710) as "With Likely benign, other allele" and ClinVar (classified as benign by Invitae; as likely benign by Ambry Genetics, GeneDx and Counsyl; and as uncertain significance by one clinical laboratory). The variant was identified in 48 of 240844 chromosomes at a frequency of 0.0002 (Genome Aggregation Database Feb 27, 2017). The variant was observed in the following populations: European in 1 of 107104 chromosomes (freq: 0.000009), Ashkenazi Jewish in 24 of 9264 chromosomes (freq: 0.003), and Finnish in 23 of 22390 chromosomes (freq: 0.001); it was not observed in the African, Other, Latino, East Asian, or South Asian populations. The p.Ala206= variant is not expected to have clinical significance because it does not result in a change of amino acid and is not located in a known consensus splice site, although 3 of 5 in silico or computational prediction software programs (SpliceSiteFinder, MaxEntScan, NNSPLICE, GeneSplicer) predict a greater than 10% difference in splicing. However, this information is not predictive enough to assume pathogenicity. In summary, based on the above information, the clinical significance of this variant cannot be determined with certainty at this time although we would lean towards a more benign role for this variant. This variant is classified as likely benign.

NM_000455.5(STK11):c.618G>A (p.Ala206=)

Gene: STK11 (serine/threonine kinase 11; plus strand). Cytogenetic location: 19p13.3.
Variant type: single nucleotide variant.
Coding change: c.618G>A on transcript NM_000455.5 (MANE Select); coding-DNA position 618, G replaced by A.
Protein change: p.Ala206=; no amino-acid change (alanine 206 retained).
Molecular consequence: synonymous variant.
Genome position (GRCh38, 1-based): chr19:1,220,601, G>A. VCF-style: chr19-1220601-G-A. GRCh37 (hg19) VCF-style: chr19-1220600-G-A.
Identifiers: ClinVar variation 142319 (VCV000142319.54), dbSNP rs370976710, ClinGen allele CA023163.